The following is an entry in ClinVar:

ClinVar aggregate classification (germline): Uncertain significance (1 of 4 stars; one submission).

Submission:

GeneDx
Classification: Uncertain significance. Last evaluated: 2017-09-21. Review status: criteria provided, single submitter. Criteria: GeneDx Variant Classification (06012015). Collection method: clinical testing. Allele origin: germline. Affected: yes.
Comment: A variant of uncertain significance has been identified in the FLNA gene. The M297T variant has not been published as pathogenic or been reported as benign to our knowledge. This variant is not observed in large population cohorts (Lek et al., 2016). The M297T variant is a non-conservative amino acid substitution, which is likely to impact secondary protein structure as these residues differ in polarity, charge, size and/or other properties. This substitution occurs at a position that is conserved in mammals. However, in silico analysis is inconsistent in its predictions as to whether or not the variant is damaging to the protein structure/function.

NM_001110556.2(FLNA):c.890T>C (p.Met297Thr)

Gene: FLNA (filamin A; minus strand). Cytogenetic location: Xq28.
Variant type: single nucleotide variant.
Coding change: c.890T>C on transcript NM_001110556.2 (MANE Select); coding-DNA position 890, T replaced by C.
Protein change: p.Met297Thr; replaces methionine 297 with threonine.
Molecular consequence: missense variant.
Genome position (GRCh38, 1-based): chrX:154,366,829, A>G on the plus strand (T>C on the coding strand, the complement: FLNA is on the minus strand). VCF-style: chrX-154366829-A-G. GRCh37 (hg19) VCF-style: chrX-153595197-A-G.
Other names: c.890T>C, p.Met297Thr (NM_001456.4); short protein forms M297T.
Identifiers: ClinVar variation 452233 (VCV000452233.2), dbSNP rs1557179407, ClinGen allele CA415248056.